The following is an entry in ClinVar:

NM_001130823.3(DNMT1):c.3341A>G (p.Asp1114Gly)

Gene: DNMT1 (DNA methyltransferase 1; minus strand). Cytogenetic location: 19p13.2.
Variant type: single nucleotide variant.
Coding change: c.3341A>G on transcript NM_001130823.3 (MANE Select); coding-DNA position 3341, A replaced by G.
Protein change: p.Asp1114Gly; replaces aspartic acid 1114 with glycine.
Molecular consequence: missense variant.
Genome position (GRCh38, 1-based): chr19:10,141,158, T>C on the plus strand (A>G on the coding strand, the complement: DNMT1 is on the minus strand). VCF-style: chr19-10141158-T-C. GRCh37 (hg19) VCF-style: chr19-10251834-T-C.
Other names: c.3293A>G, p.Asp1098Gly (NM_001318730.2, NM_001379.4); c.2978A>G, p.Asp993Gly (NM_001318731.2); short protein forms D1098G, D1114G, D993G.
Identifiers: ClinVar variation 3375919 (VCV003375919.1).

ClinVar aggregate classification (germline): Uncertain significance (1 of 4 stars; one submission).

gnomAD v4.1: 1 of 1,614,020 alleles (0.000062%); highest among the groups gnomAD compares: Non-Finnish European, 0.000085%; no homozygotes.

Submission:

GeneDx
Classification: Uncertain significance. Last evaluated: 2024-05-05. Review status: criteria provided, single submitter. Criteria: GeneDx Variant Classification Process June 2021. Collection method: clinical testing. Allele origin: germline. Affected: yes.
Comment: Not observed at significant frequency in large population cohorts (gnomAD); In silico analysis supports that this missense variant has a deleterious effect on protein structure/function; Has not been previously published as pathogenic or benign to our knowledge; This variant is associated with the following publications: (PMID: 33386779)